The following is an entry in ClinVar:

NM_005445.4(SMC3):c.332T>C (p.Leu111Ser)

Gene: SMC3 (structural maintenance of chromosomes 3; plus strand). Cytogenetic location: 10q25.2.
Variant type: single nucleotide variant.
Coding change: c.332T>C on transcript NM_005445.4 (MANE Select); coding-DNA position 332, T replaced by C.
Protein change: p.Leu111Ser; replaces leucine 111 with serine.
Molecular consequence: missense variant.
Genome position (GRCh38, 1-based): chr10:110,577,896, T>C. VCF-style: chr10-110577896-T-C. GRCh37 (hg19) VCF-style: chr10-112337654-T-C.
Other names: short protein forms L111S.
Identifiers: ClinVar variation 3774842 (VCV003774842.1).
Genomic context (GRCh38, chr10:110,577,896, plus strand): 5'-TCGATAAAGAGGAAGTTTCACTTCGAAGAGTTATTGGTGCCAAAAAGGATCAGTATTTCT[T>C]AGACAAGAAGATGGTCACGTAAGCATTTTTCTTTTTTTTAAAAAAACTGAATATGTACTT-3'
Protein context (NP_005436.1, residues 101-121): VIGAKKDQYF[Leu111Ser]DKKMVTKNDV

ClinVar aggregate classification (germline): Uncertain significance (1 of 4 stars; one submission).

gnomAD v4.1: 1 of 1,611,500 alleles (0.000062%); highest among the groups gnomAD compares: Non-Finnish European, 0.000085%; no homozygotes.

Submission:

GeneDx
Classification: Uncertain significance. Last evaluated: 2024-09-30. Review status: criteria provided, single submitter. Criteria: GeneDx Variant Classification Process June 2021. Collection method: clinical testing. Allele origin: germline. Affected: yes.
Comment: Not observed at significant frequency in large population cohorts (gnomAD); In silico analysis supports that this missense variant has a deleterious effect on protein structure/function; Has not been previously published as pathogenic or benign to our knowledge